The following is an entry in ClinVar:

ClinVar aggregate classification (germline): Uncertain significance (1 of 4 stars; one submission).

Allele frequency attached by ClinVar (database versions not stated): TOPMed 0.00001.
gnomAD v4.1: 1 of 1,546,046 alleles (0.000065%); no homozygotes.

Submission:

Labcorp Genetics (formerly Invitae), Labcorp
Classification: Uncertain significance. Last evaluated: 2022-06-03. Review status: criteria provided, single submitter. Criteria: Invitae Variant Classification Sherloc (09022015). Collection method: clinical testing. Allele origin: germline.
Comment: This sequence change replaces cysteine, which is neutral and slightly polar, with serine, which is neutral and polar, at codon 2350 of the EYS protein (p.Cys2350Ser). In summary, the available evidence is currently insufficient to determine the role of this variant in disease. Therefore, it has been classified as a Variant of Uncertain Significance. Algorithms developed to predict the effect of missense changes on protein structure and function (SIFT, PolyPhen-2, Align-GVGD) all suggest that this variant is likely to be disruptive. ClinVar contains an entry for this variant (Variation ID: 1007301). This variant has not been reported in the literature in individuals affected with EYS-related conditions. This variant is not present in population databases (gnomAD no frequency).

NM_001142800.2(EYS):c.7048T>A (p.Cys2350Ser)

Gene: EYS (EGF-like photoreceptor maintenance factor; minus strand). Cytogenetic location: 6q12.
Variant type: single nucleotide variant.
Coding change: c.7048T>A on transcript NM_001142800.2 (MANE Select); coding-DNA position 7048, T replaced by A.
Protein change: p.Cys2350Ser; replaces cysteine 2350 with serine.
Molecular consequence: missense variant.
Genome position (GRCh38, 1-based): chr6:63,984,390, A>T on the plus strand (T>A on the coding strand, the complement: EYS is on the minus strand). VCF-style: chr6-63984390-A-T. GRCh37 (hg19) VCF-style: chr6-64694283-A-T.
Other names: c.7048T>A, p.Cys2350Ser (NM_001292009.2); short protein forms C2350S.
Identifiers: ClinVar variation 1007301 (VCV001007301.8), dbSNP rs935531910, ClinGen allele CA140266906.